The following is an entry in ClinVar:

NM_014244.5(ADAMTS2):c.2226T>A (p.Phe742Leu)

Gene: ADAMTS2 (ADAM metallopeptidase with thrombospondin type 1 motif 2; minus strand). Cytogenetic location: 5q35.3.
Variant type: single nucleotide variant.
Coding change: c.2226T>A on transcript NM_014244.5 (MANE Select); coding-DNA position 2226, T replaced by A.
Protein change: p.Phe742Leu; replaces phenylalanine 742 with leucine.
Molecular consequence: missense variant.
Genome position (GRCh38, 1-based): chr5:179,132,294, A>T on the plus strand (T>A on the coding strand, the complement: ADAMTS2 is on the minus strand). VCF-style: chr5-179132294-A-T. GRCh37 (hg19) VCF-style: chr5-178559295-A-T.
Other names: short protein forms F742L.
Identifiers: ClinVar variation 1339849 (VCV001339849.10), dbSNP rs768906337, ClinGen allele CA3595623.

ClinVar aggregate classification (germline): Uncertain significance (1 of 4 stars; one submission).

Conditions:
Ehlers-Danlos syndrome, dermatosparaxis type. Also called: EDS VIIC; Dermatosparaxis; Ehlers-Danlos syndrome, type VII, autosomal recessive. Identifiers: Orphanet 1901, MedGen C2700425, MONDO:0009161, OMIM 225410.

Allele frequency attached by ClinVar (database versions not stated): gnomAD exomes below 0.00001 and 0.00001; ExAC 0.00002.
gnomAD v4.1: 3 of 1,614,182 alleles (0.00019%); highest among the groups gnomAD compares: Admixed American, 0.005%; no homozygotes.

Submission:

Labcorp Genetics (formerly Invitae), Labcorp
Classification: Uncertain significance for Ehlers-Danlos syndrome, dermatosparaxis type. Last evaluated: 2020-11-11. Review status: criteria provided, single submitter. Criteria: Invitae Variant Classification Sherloc (09022015). Collection method: clinical testing. Allele origin: germline.
Comment: This variant is present in population databases (rs768906337, ExAC 0.02%). In summary, the available evidence is currently insufficient to determine the role of this variant in disease. Therefore, it has been classified as a Variant of Uncertain Significance. Algorithms developed to predict the effect of missense changes on protein structure and function are either unavailable or do not agree on the potential impact of this missense change (SIFT: "Deleterious"; PolyPhen-2: "Benign"; Align-GVGD: "Class C15"). This variant has not been reported in the literature in individuals with ADAMTS2-related conditions. This sequence change replaces phenylalanine with leucine at codon 742 of the ADAMTS2 protein (p.Phe742Leu). The phenylalanine residue is highly conserved and there is a small physicochemical difference between phenylalanine and leucine.